The following is an entry in ClinVar:

ClinVar aggregate classification (germline): Likely pathogenic (1 of 4 stars; one submission).

Conditions:
Breast-ovarian cancer, familial, susceptibility to, 3. Also called: RAD51C-Related Breast/Ovarian Cancer. Identifiers: Orphanet 145, MedGen C3150659, MONDO:0013253, OMIM 613399.

Submission:

Myriad Genetics, Inc.
Classification: Likely pathogenic for Breast-ovarian cancer, familial, susceptibility to, 3. Last evaluated: 2024-11-25. Review status: criteria provided, single submitter. Criteria: Myriad Autosomal Dominant, Autosomal Recessive and X-Linked Classification Criteria (2023). Collection method: clinical testing. Allele origin: unknown.
Comment: This variant is considered likely pathogenic. Functional studies indicate this variant impacts protein function [PMID: 39299233]. This variant is expected to disrupt protein structure [Myriad internal data].

Literature cited by the submitters: PubMed 39299233.

NM_058216.3(RAD51C):c.449G>T (p.Gly150Val)

Gene: RAD51C (RAD51 paralog C; plus strand). Cytogenetic location: 17q22.
Variant type: single nucleotide variant.
Coding change: c.449G>T on transcript NM_058216.3 (MANE Select); coding-DNA position 449, G replaced by T.
Protein change: p.Gly150Val; replaces glycine 150 with valine.
Molecular consequence: missense variant.
Genome position (GRCh38, 1-based): chr17:58,696,737, G>T. VCF-style: chr17-58696737-G-T. GRCh37 (hg19) VCF-style: chr17-56774098-G-T.
Other names: short protein forms G150V.
Identifiers: ClinVar variation 3772782 (VCV003772782.1).